The following is an entry in ClinVar:

NM_002691.4(POLD1):c.2167T>C (p.Phe723Leu)

Gene: POLD1 (DNA polymerase delta 1, catalytic subunit; plus strand). Cytogenetic location: 19q13.33.
Variant type: single nucleotide variant.
Coding change: c.2167T>C on transcript NM_002691.4 (MANE Select); coding-DNA position 2167, T replaced by C.
Protein change: p.Phe723Leu; replaces phenylalanine 723 with leucine.
Molecular consequence: missense variant. On other transcripts: non-coding transcript variant (1).
Genome position (GRCh38, 1-based): chr19:50,413,438, T>C. VCF-style: chr19-50413438-T-C. GRCh37 (hg19) VCF-style: chr19-50916695-T-C.
Other names: c.2167T>C, p.Phe723Leu (NM_001256849.1, NM_001438212.1, NM_001438213.1); c.2245T>C, p.Phe749Leu (NM_001308632.1); c.2095T>C, p.Phe699Leu (NM_001438210.1, NM_001438211.1); short protein forms F723L, F699L, F749L.
Identifiers: ClinVar variation 5026978 (VCV005026978.1).
Genomic context (GRCh38, chr19:50,413,438, plus strand): 5'-TGCACATGGCCCCCAGGGCTTCACTCCGCATGATTCTCTCCCCGACAGAGCGTCACGGGG[T>C]TCGGACGTCAGATGATCGAGAAAACCAAGCAGCTGGTGGAGTCTAAGTACACAGTGGAGA-3'
Protein context (NP_002682.2, residues 713-733): CLEISQSVTG[Phe723Leu]GRQMIEKTKQ

ClinVar aggregate classification (germline): Uncertain significance (1 of 4 stars; one submission).

Conditions:
Hereditary cancer-predisposing syndrome. Also called: Neoplastic Syndromes, Hereditary; Tumor predisposition; Hereditary neoplastic syndrome; Hereditary Cancer Syndrome. Identifiers: Orphanet 140162, MedGen C0027672, MeSH D009386, MONDO:0015356.

Submission:

Ambry Genetics
Classification: Uncertain significance for Hereditary cancer-predisposing syndrome. Last evaluated: 2026-06-26. Review status: criteria provided, single submitter. Criteria: Ambry Variant Classification Scheme 2023. Collection method: clinical testing. Allele origin: germline.
Comment: The p.F723L variant (also known as c.2167T>C), located in coding exon 17 of the POLD1 gene, results from a T to C substitution at nucleotide position 2167. The phenylalanine at codon 723 is replaced by leucine, an amino acid with highly similar properties. This amino acid position is conserved. In addition, this alteration is predicted to be tolerated by in silico analysis. Based on the available evidence, the clinical significance of this variant remains unclear.